The following is an entry in ClinVar:

NM_006206.6(PDGFRA):c.1786+4A>C

Gene: PDGFRA (platelet derived growth factor receptor alpha; plus strand). Cytogenetic location: 4q12.
Variant type: single nucleotide variant.
Coding change: c.1786+4A>C on transcript NM_006206.6 (MANE Select); 4 bases into the intron after coding-DNA position 1786, A replaced by C.
Molecular consequence: intron variant.
Genome position (GRCh38, 1-based): chr4:54,274,977, A>C. VCF-style: chr4-54274977-A-C. GRCh37 (hg19) VCF-style: chr4-55141144-A-C.
Other names: c.1861+4A>C (NM_001347828.2); c.1786+4A>C (NM_001347827.2, NM_001347829.2); c.1825+4A>C (NM_001347830.2).
Identifiers: ClinVar variation 576390 (VCV000576390.7), dbSNP rs1560480825, ClinGen allele CA891842616.

ClinVar aggregate classification (germline): Uncertain significance (1 of 4 stars; one submission).

Conditions:
Gastrointestinal stromal tumor. Also called: Gastrointestinal stromal tumor, somatic; Gastrointestinal stroma tumor. Identifiers: Orphanet 44890, MedGen C0238198, MeSH D046152, MONDO:0011719, OMIM 606764, HP:0100723.

Submission:

Labcorp Genetics (formerly Invitae), Labcorp
Classification: Uncertain significance for Gastrointestinal stromal tumor. Last evaluated: 2018-05-20. Review status: criteria provided, single submitter. Criteria: Invitae Variant Classification Sherloc (09022015). Collection method: clinical testing. Allele origin: germline.
Comment: In summary, the available evidence is currently insufficient to determine the role of this variant in disease. Therefore, it has been classified as a Variant of Uncertain Significance. Nucleotide substitutions within the consensus splice site are a relatively common cause of aberrant splicing (PMID: 17576681, 9536098). Algorithms developed to predict the effect of sequence changes on RNA splicing suggest that this variant may disrupt the consensus splice site, but this prediction has not been confirmed by published transcriptional studies. This variant has not been reported in the literature in individuals with PDGFRA-related disease. This variant is not present in population databases (ExAC no frequency). This sequence change falls in intron 12 of the PDGFRA gene. It does not directly change the encoded amino acid sequence of the PDGFRA protein, but it affects a nucleotide within the consensus splice site of the intron.

Literature cited by the submitters: PubMed 17576681; PubMed 9536098.